The following is an entry in ClinVar:

ClinVar aggregate classification (germline): Likely benign (1 of 4 stars; one submission).

Allele frequency attached by ClinVar (database versions not stated): 1000 Genomes Project 30x 0.00094; 1000 Genomes Project 0.00100; TOPMed 0.00190; ESP Exome Variant Server 0.00277; gnomAD exomes 0.00310; gnomAD 0.00361; ExAC 0.00471.
gnomAD v4.1: 5,008 of 1,606,420 alleles (0.31%); highest among the groups gnomAD compares: Non-Finnish European, 0.34%; 27 homozygotes.

Submission:

CeGaT Center for Human Genetics Tuebingen
Classification: Likely benign. Last evaluated: 2022-11-01. Review status: criteria provided, single submitter. Criteria: CeGaT Center For Human Genetics Tuebingen Variant Classification Criteria Version 2. Collection method: clinical testing. Allele origin: germline. Affected: yes. Observed: 1 variant allele.
Comment: PALD1: BP4, BS2

NM_014431.3(PALD1):c.1025C>T (p.Ala342Val)

Gene: PALD1 (phosphatase domain containing paladin 1; plus strand). Cytogenetic location: 10q22.1.
Variant type: single nucleotide variant.
Coding change: c.1025C>T on transcript NM_014431.3 (MANE Select); coding-DNA position 1025, C replaced by T.
Protein change: p.Ala342Val; replaces alanine 342 with valine.
Molecular consequence: missense variant.
Genome position (GRCh38, 1-based): chr10:70,534,427, C>T. VCF-style: chr10-70534427-C-T. GRCh37 (hg19) VCF-style: chr10-72294183-C-T.
Other names: short protein forms A342V.
Identifiers: ClinVar variation 2640553 (VCV002640553.24), dbSNP rs146549491, ClinGen allele CA5538107.